The following is an entry in ClinVar:

ClinVar aggregate classification (germline): Uncertain significance. Review status: criteria provided, multiple submitters, no conflicts (2 of 4 stars). 2 submissions from 2 submitters: Uncertain significance (2). Last evaluated 2026-08-06.

Conditions:
Peters plus syndrome. Also called: KRAUSE-KIVLIN SYNDROME. Identifiers: Orphanet 709, MedGen C0796012, MONDO:0009856, OMIM 261540.

Submissions (2):

OLLIN Analises Genomicas, OLLIN
Classification: Uncertain significance. Last evaluated: 2026-08-06. Review status: criteria provided, single submitter. Criteria: ACMG Guidelines 2015 PMID 25741868. Collection method: clinical testing. Allele origin: germline.
Comment: This in-frame deletion, located in exon 1 (of 15), has been reported in ClinVar (accession VCV002103571.2) and in gnomAD with an allele frequency of 0.0063%. However, to our knowledge, it has not been reported in the scientific literature. This variant removes 6 amino acids, preserving the reading frame and leading to a reduced protein length. According to the currently available evidence, this variant has been classified as uncertain significance (PM2_P, PM4).

Labcorp Genetics (formerly Invitae), Labcorp
Classification: Uncertain significance for Peters plus syndrome. Last evaluated: 2022-08-14. Review status: criteria provided, single submitter. Criteria: Invitae Variant Classification Sherloc (09022015). Collection method: clinical testing. Allele origin: germline.
Comment: In summary, the available evidence is currently insufficient to determine the role of this variant in disease. Therefore, it has been classified as a Variant of Uncertain Significance. Experimental studies and prediction algorithms are not available or were not evaluated, and the functional significance of this variant is currently unknown. This variant has not been reported in the literature in individuals affected with B3GLCT-related conditions. This variant is present in population databases (rs777497613, gnomAD 0.02%). This variant, c.35_52del, results in the deletion of 6 amino acid(s) of the B3GLCT protein (p.Pro12_Ala17del), but otherwise preserves the integrity of the reading frame.

NM_194318.4(B3GLCT):c.35_52del (p.Pro12_Ala17del)

Genes: B3GLCT (beta 3-glucosyltransferase; plus strand), LOC130009514 (ATAC-STARR-seq lymphoblastoid silent region 5240; plus strand). Cytogenetic location: 13q12.3.
Variant type: Deletion.
Coding change: c.35_52del on transcript NM_194318.4 (MANE Select); coding-DNA positions 35 to 52, 18 bases deleted (CGCCGGCGCTGCTCGCGC).
Protein change: p.Pro12_Ala17del.
Molecular consequence: inframe deletion.
Genome position (GRCh38, 1-based): chr13:31,200,119-31,200,136, CGCCGGCGCTGCTCGCGC deleted; deleting any 18 consecutive bases within chr13:31,200,108-31,200,136 gives the same sequence; the c. name uses the placement nearest the transcript's 3' end. VCF-style (leftmost placement, unchanged base first): chr13-31200107-GGCTGCTCGCGCCGCCGGC-G. GRCh37 (hg19) VCF-style: chr13-31774244-GGCTGCTCGCGCCGCCGGC-G.
Identifiers: ClinVar variation 2103571 (VCV002103571.3), dbSNP rs777497613, ClinGen allele CA6936406.